The following is an entry in ClinVar:

ClinVar aggregate classification (germline): Likely benign (1 of 4 stars; one submission).

Conditions:
PLXNA4-related disorder. Also called: PLXNA4-related condition.

gnomAD v4.1: 17 of 1,613,982 alleles (0.0011%); highest among the groups gnomAD compares: Non-Finnish European, 0.0014%; no homozygotes.

Submission:

PreventionGenetics, part of Exact Sciences
Classification: Likely benign for PLXNA4-related condition. Last evaluated: 2025-04-03. Review status: criteria provided, single submitter. Criteria: ACMG Guidelines, 2015. Collection method: clinical testing. Allele origin: germline.
Comment: This variant is classified as likely benign based on ACMG/AMP sequence variant interpretation guidelines (Richards et al. 2015 PMID: 25741868, with internal and published modifications).

NM_020911.2(PLXNA4):c.3639+9G>A

Gene: PLXNA4 (plexin A4; minus strand). Cytogenetic location: 7q32.3.
Variant type: single nucleotide variant.
Coding change: c.3639+9G>A on transcript NM_020911.2 (MANE Select); 9 bases into the intron after coding-DNA position 3639, G replaced by A.
Molecular consequence: intron variant.
Genome position (GRCh38, 1-based): chr7:132,180,577, C>T on the plus strand (G>A on the coding strand, the complement: PLXNA4 is on the minus strand). VCF-style: chr7-132180577-C-T. GRCh37 (hg19) VCF-style: chr7-131865336-C-T.
Other names: c.3639+9G>A (NM_001393897.1).
Identifiers: ClinVar variation 4983640 (VCV004983640.1).
Genomic context (GRCh38, chr7:132,180,577, plus strand): 5'-TGGTGGCCTGAGCTCACATCTGCATCCCTACTGCCCGCTCCATCCAGGATGGGGTTCTGC[C>T]AGCCTCACCATCACTTTGTGCCTGCCGATGAGGTTGGGGGACTCGCAGAGCAGCTGGACA-3'